The following is an entry in ClinVar:

ClinVar aggregate classification (germline): Uncertain significance (1 of 4 stars; one submission).

Submission:

Women's Health and Genetics/Laboratory Corporation of America, LabCorp
Classification: Uncertain significance. Last evaluated: 2026-06-10. Review status: criteria provided, single submitter. Criteria: LabCorp Variant Classification Summary - May 2015. Collection method: clinical testing. Allele origin: germline.
Comment: Variant summary: The variant involves the deletion of exons 2-16 in the DIAPH1 gene. A presumed nomenclature of c.(117+1_118-1)_(2358+1_2359-1)del has been designated for the purposes of this classification. This Copy Number Variant (CNV) is predicted to result in an in-frame deletion within this gene. Loss-of-function variants in this gene are known to be pathogenic. The variant was absent in 21694 control chromosomes. c.(117+1_118-1)_(2358+1_2359-1)del has been observed in at least one homozygous individual affected with some clinical features of autosomal recessive seizures, cortical blindness, and microcephaly syndrome (SCBMS) (e.g. Bonini_2023). These data indicate that the variant may be associated with disease. To our knowledge, no experimental evidence demonstrating an impact on protein function has been reported. The following publication has been ascertained in the context of this evaluation (PMID: 37334874). No submitters have cited clinical-significance assessments for this variant to ClinVar. Based on the evidence outlined above, the variant was classified as VUS-possibly pathogenic.

Literature cited by the submitters: PubMed 37334874.

NC_000005.9:g.(140951608_140953058)_(140967818_140998364)del

Gene: DIAPH1 (diaphanous related formin 1; minus strand). Cytogenetic location: 5q31.3.
Variant type: Deletion.
Identifiers: ClinVar variation 4887386 (VCV004887386.1).